The following is an entry in ClinVar:

NM_005219.5(DIAPH1):c.1417A>G (p.Lys473Glu)

Gene: DIAPH1 (diaphanous related formin 1; minus strand). Cytogenetic location: 5q31.3.
Variant type: single nucleotide variant.
Coding change: c.1417A>G on transcript NM_005219.5 (MANE Select); coding-DNA position 1417, A replaced by G.
Protein change: p.Lys473Glu; replaces lysine 473 with glutamic acid.
Molecular consequence: missense variant.
Genome position (GRCh38, 1-based): chr5:141,576,274, T>C on the plus strand (A>G on the coding strand, the complement: DIAPH1 is on the minus strand). VCF-style: chr5-141576274-T-C. GRCh37 (hg19) VCF-style: chr5-140955841-T-C.
Other names: c.1390A>G, p.Lys464Glu (NM_001079812.3); c.1417A>G, p.Lys473Glu (NM_001314007.2); short protein forms K464E, K473E.
Identifiers: ClinVar variation 2929796 (VCV002929796.3), dbSNP rs1239598744, ClinGen allele CA361526852.

ClinVar aggregate classification (germline): Uncertain significance (1 of 4 stars; one submission).

Conditions:
Autosomal dominant nonsyndromic hearing loss 1. Also called: KONIGSMARK SYNDROME; DEAFNESS, AUTOSOMAL DOMINANT 1, WITH OR WITHOUT THROMBOCYTOPENIA. Identifiers: Orphanet 90635, MedGen C1852282, MONDO:0007424, OMIM 124900.
Progressive microcephaly-seizures-cortical blindness-developmental delay syndrome. Also called: Seizures, cortical blindness, and microcephaly syndrome. Identifiers: Orphanet 477814, MedGen C5567650, MONDO:0014714, OMIM 616632.

Allele frequency attached by ClinVar (database versions not stated): gnomAD exomes 0.00001.
gnomAD v4.1: 8 of 1,614,014 alleles (0.0005%); highest among the groups gnomAD compares: East Asian, 0.0022%; 1 homozygote.

Submission:

Labcorp Genetics (formerly Invitae), Labcorp
Classification: Uncertain significance for Progressive microcephaly-seizures-cortical blindness-developmental delay syndrome; Autosomal dominant nonsyndromic hearing loss 1. Last evaluated: 2023-01-28. Review status: criteria provided, single submitter. Criteria: Invitae Variant Classification Sherloc (09022015). Collection method: clinical testing. Allele origin: germline.
Comment: In summary, the available evidence is currently insufficient to determine the role of this variant in disease. Therefore, it has been classified as a Variant of Uncertain Significance. Algorithms developed to predict the effect of missense changes on protein structure and function are either unavailable or do not agree on the potential impact of this missense change (SIFT: "Deleterious"; PolyPhen-2: "Not Available"; Align-GVGD: "Class C0"). This variant has not been reported in the literature in individuals affected with DIAPH1-related conditions. This variant is not present in population databases (gnomAD no frequency). This sequence change replaces lysine, which is basic and polar, with glutamic acid, which is acidic and polar, at codon 473 of the DIAPH1 protein (p.Lys473Glu).